The following is an entry in ClinVar:

NM_005802.5(TOPORS):c.3083C>T (p.Ser1028Leu)

Gene: TOPORS (TOP1 binding arginine/serine rich protein, E3 ubiquitin ligase; minus strand). Cytogenetic location: 9p21.1.
Variant type: single nucleotide variant.
Coding change: c.3083C>T on transcript NM_005802.5 (MANE Select); coding-DNA position 3083, C replaced by T.
Protein change: p.Ser1028Leu; replaces serine 1028 with leucine.
Molecular consequence: missense variant.
Genome position (GRCh38, 1-based): chr9:32,541,442, G>A on the plus strand (C>T on the coding strand, the complement: TOPORS is on the minus strand). VCF-style: chr9-32541442-G-A. GRCh37 (hg19) VCF-style: chr9-32541440-G-A.
Other names: c.2888C>T, p.Ser963Leu (NM_001195622.2); short protein forms S1028L, S963L.
Identifiers: ClinVar variation 2070105 (VCV002070105.4), dbSNP rs776900627, ClinGen allele CA5020262.
Genomic context (GRCh38, chr9:32,541,442, plus strand): 5'-CAGTTTTAAGACATATCACAGTCTCTACCAAGACATACTGACATTAATGATGTCCGTGGC[G>A]ATGGCAATTGCCTTGATGGCTCAGTTTGAAGAGACACAATGTTACTGGGCTGGTTCTCCA-3'
Protein context (NP_005793.2, residues 1018-1038): LQTEPSRQLP[Ser1028Leu]PRTSLMSVCL

ClinVar aggregate classification (germline): Uncertain significance (1 of 4 stars; one submission).

Allele frequency attached by ClinVar (database versions not stated): TOPMed below 0.00001; gnomAD exomes 0.00002; gnomAD 0.00001; ExAC 0.00004.
gnomAD v4.1: 31 of 1,614,034 alleles (0.0019%); highest among the groups gnomAD compares: South Asian, 0.0077%; no homozygotes.

Submission:

Labcorp Genetics (formerly Invitae), Labcorp
Classification: Uncertain significance. Last evaluated: 2025-05-15. Review status: criteria provided, single submitter. Criteria: Invitae Variant Classification Sherloc (09022015). Collection method: clinical testing. Allele origin: germline.
Comment: This sequence change replaces serine, which is neutral and polar, with leucine, which is neutral and non-polar, at codon 1028 of the TOPORS protein (p.Ser1028Leu). This variant is present in population databases (rs776900627, gnomAD 0.02%). This variant has not been reported in the literature in individuals affected with TOPORS-related conditions. ClinVar contains an entry for this variant (Variation ID: 2070105). Experimental studies and prediction algorithms are not available or were not evaluated, and the functional significance of this variant is currently unknown. In summary, the available evidence is currently insufficient to determine the role of this variant in disease. Therefore, it has been classified as a Variant of Uncertain Significance.